The following is an entry in ClinVar:

NM_144687.4(NLRP12):c.283G>C (p.Val95Leu)

Gene: NLRP12 (NLR family pyrin domain containing 12; minus strand). Cytogenetic location: 19q13.42.
Variant type: single nucleotide variant.
Coding change: c.283G>C on transcript NM_144687.4 (MANE Select); coding-DNA position 283, G replaced by C.
Protein change: p.Val95Leu; replaces valine 95 with leucine.
Molecular consequence: missense variant.
Genome position (GRCh38, 1-based): chr19:53,823,892, C>G on the plus strand (G>C on the coding strand, the complement: NLRP12 is on the minus strand). VCF-style: chr19-53823892-C-G. GRCh37 (hg19) VCF-style: chr19-54327146-C-G.
Other names: c.283G>C, p.Val95Leu (NM_001277126.2, NM_001277129.1); short protein forms V95L.
Identifiers: ClinVar variation 1022229 (VCV001022229.9), dbSNP rs763354608, ClinGen allele CA407418825.

ClinVar aggregate classification (germline): Uncertain significance (1 of 4 stars; one submission).

Conditions:
Familial cold autoinflammatory syndrome 2 (FCAS2). Identifiers: Orphanet 247868, MedGen C2673198, MONDO:0012724, OMIM 611762.

gnomAD v4.1: 3 of 1,613,990 alleles (0.00019%); highest among the groups gnomAD compares: Non-Finnish European, 0.00025%; no homozygotes.

Submission:

Labcorp Genetics (formerly Invitae), Labcorp
Classification: Uncertain significance for Familial cold autoinflammatory syndrome 2. Last evaluated: 2020-02-21. Review status: criteria provided, single submitter. Criteria: Invitae Variant Classification Sherloc (09022015). Collection method: clinical testing. Allele origin: germline.
Comment: This sequence change replaces valine with leucine at codon 95 of the NLRP12 protein (p.Val95Leu). The valine residue is moderately conserved and there is a small physicochemical difference between valine and leucine. This variant is not present in population databases (ExAC no frequency). This variant has not been reported in the literature in individuals with NLRP12-related conditions. Algorithms developed to predict the effect of missense changes on protein structure and function (SIFT, PolyPhen-2, Align-GVGD) all suggest that this variant is likely to be tolerated, but these predictions have not been confirmed by published functional studies and their clinical significance is uncertain. In summary, the available evidence is currently insufficient to determine the role of this variant in disease. Therefore, it has been classified as a Variant of Uncertain Significance.